The following is an entry in ClinVar:

ClinVar aggregate classification (germline): Conflicting classifications of pathogenicity. Review status: criteria provided, conflicting classifications (1 of 4 stars). 6 submissions from 6 submitters: Uncertain significance (4); Likely benign (2). Last evaluated 2025-12-23.

Conditions:
SCN4A-related disorder. Also called: SCN4A-related disorders.
Paramyotonia congenita of Von Eulenburg. Also called: PARALYSIS PERIODICA PARAMYOTONICA; Eulenburg disease; Myotonia congenita intermittens; Von Eulenburg paramyotonia congenita; Paramyotonia Congenita. Identifiers: Orphanet 684, MedGen C0221055, MONDO:0008195, OMIM 168300. Disease mechanism: loss of function.
Hypokalemic periodic paralysis, type 2 (HOKPP2). Identifiers: Orphanet 681, MedGen C2750061, MONDO:0013234, OMIM 613345.
Hyperkalemic periodic paralysis. Also called: Familial hyperkalemic periodic paralysis; Gamstorp disease. Identifiers: Orphanet 682, MedGen C0238357, MONDO:0008224, OMIM 170500, HP:0007215.
Congenital myopathy 22A, classic (CMYO22A). Identifiers: MedGen C5830453, MONDO:0957247, OMIM 620351.
Congenital myopathy 22B, severe fetal (CMYO22B). Identifiers: MedGen C5830501, MONDO:0957265, OMIM 620369.
Potassium-aggravated myotonia. Also called: MYOTONIA CONGENITA, ACETAZOLAMIDE-RESPONSIVE; MYOTONIA CONGENITA, ATYPICAL; SODIUM CHANNEL MUSCLE DISEASE; Myotonia congenita, atypical, acetazolamide-responsive. Identifiers: Orphanet 612, Orphanet 99734, Orphanet 99735, Orphanet 99736, MedGen C2931826, MONDO:0018959, OMIM 608390.
Congenital myasthenic syndrome 16. Identifiers: Orphanet 590, MedGen C3280112, MONDO:0013620, OMIM 614198.

Allele frequency attached by ClinVar (database versions not stated): 1000 Genomes Project 30x 0.00078; gnomAD 0.00057 and 0.00062; 1000 Genomes Project 0.00060; ESP Exome Variant Server 0.00040.

Submissions (6):

Labcorp Genetics (formerly Invitae), Labcorp
Classification: Likely benign for Hyperkalemic periodic paralysis. Last evaluated: 2025-12-23. Review status: criteria provided, single submitter. Criteria: Invitae Variant Classification Sherloc (09022015). Collection method: clinical testing. Allele origin: germline.

GeneDx
Classification: Uncertain significance. Last evaluated: 2025-08-26. Review status: criteria provided, single submitter. Criteria: GeneDx Variant Classification Process June 2021. Collection method: clinical testing. Allele origin: germline. Affected: yes.
Comment: In silico analysis supports that this missense variant has a deleterious effect on protein structure/function; Has not been previously published as pathogenic or benign to our knowledge

PreventionGenetics, part of Exact Sciences
Classification: Likely benign for SCN4A-related condition. Last evaluated: 2025-06-17. Review status: criteria provided, single submitter. Criteria: ACMG Guidelines, 2015. Collection method: clinical testing. Allele origin: germline.
Comment: This variant is classified as likely benign based on ACMG/AMP sequence variant interpretation guidelines (Richards et al. 2015 PMID: 25741868, with internal and published modifications).

Mayo Clinic Laboratories, Mayo Clinic
Classification: Uncertain significance. Last evaluated: 2025-05-16. Review status: criteria provided, single submitter. Criteria: ACMG Guidelines, 2015. Collection method: clinical testing. Allele origin: germline. Observed: 2 variant alleles.
Comment: BS1, PP3_moderate

Fulgent Genetics
Classification: Uncertain significance for Paramyotonia congenita of Von Eulenburg; Hyperkalemic periodic paralysis; Potassium-aggravated myotonia; Hypokalemic periodic paralysis, type 2; Congenital myasthenic syndrome 16; Congenital myopathy 22A, classic; Congenital myopathy 22B, severe fetal. Last evaluated: 2024-04-22. Review status: criteria provided, single submitter. Criteria: ACMG Guidelines, 2015. Collection method: clinical testing. Allele origin: germline.

Revvity Omics, Revvity
Classification: Uncertain significance. Last evaluated: 2023-10-12. Review status: criteria provided, single submitter. Criteria: ACMG Guidelines, 2015. Collection method: clinical testing. Allele origin: germline.

NM_000334.4(SCN4A):c.235C>T (p.Pro79Ser)

Gene: SCN4A (sodium voltage-gated channel alpha subunit 4; minus strand). Cytogenetic location: 17q23.3.
Variant type: single nucleotide variant.
Coding change: c.235C>T on transcript NM_000334.4 (MANE Select); coding-DNA position 235, C replaced by T.
Protein change: p.Pro79Ser; replaces proline 79 with serine.
Molecular consequence: missense variant.
Genome position (GRCh38, 1-based): chr17:63,972,607, G>A on the plus strand (C>T on the coding strand, the complement: SCN4A is on the minus strand). VCF-style: chr17-63972607-G-A. GRCh37 (hg19) VCF-style: chr17-62049967-G-A.
Other names: p.Pro79Ser; short protein forms P79S.
Identifiers: ClinVar variation 783194 (VCV000783194.22), dbSNP rs376505442, ClinGen allele CA8710248.
Genomic context (GRCh38, chr17:63,972,607, plus strand): 5'-GGAAGCCTTCCCAGGCCCAGACCTTCTTATTGCTGTAGTAGGGATCCAGGTCCTCCAGGG[G>A]GATGCCGATGACCTCCGGCGGGGGGTCTCCGTAGATCATGGGTAGGTTCTTGCCAGCCTC-3'
Protein context (NP_000325.4, residues 69-89): GDPPPEVIGI[Pro79Ser]LEDLDPYYSN